The following is an entry in ClinVar:

ClinVar aggregate classification (germline): Uncertain significance (1 of 4 stars; one submission).

Conditions:
Hyperkalemic periodic paralysis. Also called: Familial hyperkalemic periodic paralysis; Gamstorp disease. Identifiers: Orphanet 682, MedGen C0238357, MONDO:0008224, OMIM 170500, HP:0007215.

Submission:

Labcorp Genetics (formerly Invitae), Labcorp
Classification: Uncertain significance for Hyperkalemic periodic paralysis. Last evaluated: 2021-03-04. Review status: criteria provided, single submitter. Criteria: Invitae Variant Classification Sherloc (09022015). Collection method: clinical testing. Allele origin: germline.
Comment: In summary, the available evidence is currently insufficient to determine the role of this variant in disease. Therefore, it has been classified as a Variant of Uncertain Significance. Experimental studies have shown that this missense change does not substantially affect SCN4A protein function (PMID: 29605429). This missense change has been observed in individual(s) with sudden infant death syndrome (PMID: 29605429). This variant is not present in population databases (ExAC no frequency). This sequence change replaces glycine with arginine at codon 859 of the SCN4A protein (p.Gly859Arg). The glycine residue is highly conserved and there is a moderate physicochemical difference between glycine and arginine.

Literature cited by the submitters: PubMed 29605429.

NM_000334.4(SCN4A):c.2575G>C (p.Gly859Arg)

Genes: GH-LCR (growth hormone locus control region; plus strand), SCN4A (sodium voltage-gated channel alpha subunit 4; minus strand). Cytogenetic location: 17q23.3.
Variant type: single nucleotide variant.
Coding change: c.2575G>C on transcript NM_000334.4 (MANE Select); coding-DNA position 2575, G replaced by C.
Protein change: p.Gly859Arg; replaces glycine 859 with arginine.
Molecular consequence: missense variant.
Genome position (GRCh38, 1-based): chr17:63,951,702, C>G on the plus strand (G>C on the coding strand, the complement: SCN4A is on the minus strand). VCF-style: chr17-63951702-C-G. GRCh37 (hg19) VCF-style: chr17-62029062-C-G.
Other names: short protein forms G859R.
Identifiers: ClinVar variation 1488604 (VCV001488604.8), dbSNP rs749473147, ClinGen allele CA400626643.
Genomic context (GRCh38, chr17:63,951,702, plus strand): 5'-TCTCATCCTCGGGGGCAGTCTCCCCCGCCTCTCCAGCCTCCCCGGCCCCGTCAGCCTCCC[C>G]GAGGCTGAGCATGATGTCCTTGGGGCTCAGGATCTTGCCATGCAGCAGCCCCAGGAGGAA-3'
Protein context (NP_000325.4, residues 849-869): LSPKDIMLSL[Gly859Arg]EADGAGEAGE